The following is an entry in ClinVar:

NM_006642.5(SDCCAG8):c.981A>G (p.Ala327=)

Gene: SDCCAG8 (SHH signaling and ciliogenesis regulator SDCCAG8; plus strand). Cytogenetic location: 1q43.
Variant type: single nucleotide variant.
Coding change: c.981A>G on transcript NM_006642.5 (MANE Select); coding-DNA position 981, A replaced by G.
Protein change: p.Ala327=; no amino-acid change (alanine 327 retained).
Molecular consequence: synonymous variant.
Genome position (GRCh38, 1-based): chr1:243,316,806, A>G. VCF-style: chr1-243316806-A-G. GRCh37 (hg19) VCF-style: chr1-243480108-A-G.
Other names: c.981A>G (NM_006642.3); c.78A>G, p.Ala26= (NM_001350246.2, NM_001350247.2, NM_001350251.2); c.1077A>G, p.Ala359= (NM_001350248.2); c.687A>G, p.Ala229= (NM_001350249.2).
Identifiers: ClinVar variation 4785603 (VCV004785603.2).

ClinVar aggregate classification (germline): Likely benign. Review status: criteria provided, multiple submitters, no conflicts (2 of 4 stars). 2 submissions from 2 submitters: Likely benign (2). Last evaluated 2025-07-22.

Conditions:
SDCCAG8-related disorder. Also called: SDCCAG8-Related Disorders; SDCCAG8-related condition.
Bardet-Biedl syndrome 16 (BBS16). Identifiers: Orphanet 110, MedGen C3889474, MONDO:0014444, OMIM 615993.
Senior-Loken syndrome 7 (SLSN7). Identifiers: Orphanet 3156, MedGen C3150877, MONDO:0013326, OMIM 613615.

gnomAD v4.1: 1 of 1,614,110 alleles (0.000062%); highest among the groups gnomAD compares: African/African-American, 0.0013%; no homozygotes.

Submissions (2):

Labcorp Genetics (formerly Invitae), Labcorp
Classification: Likely benign for Bardet-Biedl syndrome 16; Senior-Loken syndrome 7. Last evaluated: 2025-07-22. Review status: criteria provided, single submitter. Criteria: Invitae Variant Classification Sherloc (09022015). Collection method: clinical testing. Allele origin: germline.

PreventionGenetics, part of Exact Sciences
Classification: Likely benign for SDCCAG8-related condition. Last evaluated: 2025-05-01. Review status: criteria provided, single submitter. Criteria: ACMG Guidelines, 2015. Collection method: clinical testing. Allele origin: germline.
Comment: This variant is classified as likely benign based on ACMG/AMP sequence variant interpretation guidelines (Richards et al. 2015 PMID: 25741868, with internal and published modifications).